The following is an entry in ClinVar:

NM_198150.3(ARSK):c.1554G>A (p.Lys518=)

Gene: ARSK (arylsulfatase family member K; plus strand). Cytogenetic location: 5q15.
Variant type: single nucleotide variant.
Coding change: c.1554G>A on transcript NM_198150.3 (MANE Select); coding-DNA position 1554, G replaced by A.
Protein change: p.Lys518=; no amino-acid change (lysine 518 retained).
Molecular consequence: synonymous variant.
Genome position (GRCh38, 1-based): chr5:95,603,469, G>A. VCF-style: chr5-95603469-G-A. GRCh37 (hg19) VCF-style: chr5-94939173-G-A.
Identifiers: ClinVar variation 4820906 (VCV004820906.5).
Genomic context (GRCh38, chr5:95,603,469, plus strand): 5'-TTATTCAAACGTTATAGCAAATCTTAGGTGGCACCAAGACTGGCAGAAGGAACCAAGGAA[G>A]TATGAAAATGCAATTGATCAGTGGCTTAAAACCCATATGAATCCAAGAGCAGTTTGAACA-3'
Protein context (NP_937793.1, residues 508-528): WHQDWQKEPR[Lys518=]YENAIDQWLK

ClinVar aggregate classification (germline): Benign/Likely benign. Review status: criteria provided, multiple submitters, no conflicts (2 of 4 stars). 2 submissions from 2 submitters: Benign (1); Likely benign (1). Last evaluated 2026-05-21.

gnomAD v4.1: 7,551 of 1,612,796 alleles (0.47%); highest among the groups gnomAD compares: Middle Eastern, 0.86%; 46 homozygotes.

Submissions (2):

Women's Health and Genetics/Laboratory Corporation of America, LabCorp
Classification: Benign. Last evaluated: 2026-05-21. Review status: criteria provided, single submitter. Criteria: LabCorp Variant Classification Summary - May 2015. Collection method: clinical testing. Allele origin: germline.
Comment: Variant summary: ARSK c.1554G>A alters a conserved nucleotide resulting in a synonymous change. Consensus agreement among computation tools predict no significant impact on normal splicing. However, these predictions have yet to be confirmed by functional studies. The variant allele was found at a frequency of 0.005 in 248758 control chromosomes in the gnomAD database, including 13 homozygotes. The observed variant frequency exceeds the estimated maximal expected allele frequency for disease-causing variants in ARSK. To our knowledge, no occurrence of c.1554G>A in individuals affected with ARSK-related conditions and no experimental evidence demonstrating its impact on protein function have been reported. ClinVar contains an entry for this variant (Variation ID: 4820906). Based on the evidence outlined above, the variant was classified as benign.

CeGaT Center for Human Genetics Tuebingen
Classification: Likely benign. Last evaluated: 2026-02-01. Review status: criteria provided, single submitter. Criteria: CeGaT Center For Human Genetics Tuebingen Variant Classification Criteria Version 2. Collection method: clinical testing. Allele origin: germline. Affected: yes. Observed: 1 variant allele.
Comment: ARSK: BP4, BP7, BS2